The following is an entry in ClinVar:

NM_003865.3(HESX1):c.163G>T (p.Asp55Tyr)

Gene: HESX1 (HESX homeobox 1; minus strand). Cytogenetic location: 3p14.3.
Variant type: single nucleotide variant.
Coding change: c.163G>T on transcript NM_003865.3 (MANE Select); coding-DNA position 163, G replaced by T.
Protein change: p.Asp55Tyr; replaces aspartic acid 55 with tyrosine.
Molecular consequence: missense variant.
Genome position (GRCh38, 1-based): chr3:57,198,947, C>A on the plus strand (G>T on the coding strand, the complement: HESX1 is on the minus strand). VCF-style: chr3-57198947-C-A. GRCh37 (hg19) VCF-style: chr3-57232975-C-A.
Other names: c.163G>T, p.Asp55Tyr (NM_001376058.1, NM_001376059.1, NM_001376060.1 and 1 more transcripts); short protein forms D55Y.
Identifiers: ClinVar variation 1023788 (VCV001023788.5), dbSNP rs2060466182, ClinGen allele CA353401650.

ClinVar aggregate classification (germline): Uncertain significance (1 of 4 stars; one submission).

Conditions:
Septo-optic dysplasia sequence (SOD). Also called: DE MORSIER SYNDROME; Septo-optic dysplasia. Identifiers: Orphanet 3157, MedGen C0338503, MONDO:0008428, OMIM 182230, HP:0100842.
GROWTH HORMONE DEFICIENCY WITH PITUITARY ANOMALIES. Identifiers: MedGen C2750027, OMIM 182230.

Submission:

Labcorp Genetics (formerly Invitae), Labcorp
Classification: Uncertain significance for GROWTH HORMONE DEFICIENCY WITH PITUITARY ANOMALIES; Septo-optic dysplasia sequence. Last evaluated: 2023-11-27. Review status: criteria provided, single submitter. Criteria: Invitae Variant Classification Sherloc (09022015). Collection method: clinical testing. Allele origin: germline.
Comment: This sequence change replaces aspartic acid, which is acidic and polar, with tyrosine, which is neutral and polar, at codon 55 of the HESX1 protein (p.Asp55Tyr). This variant is not present in population databases (gnomAD no frequency). This variant has not been reported in the literature in individuals affected with HESX1-related conditions. ClinVar contains an entry for this variant (Variation ID: 1023788). Algorithms developed to predict the effect of missense changes on protein structure and function output the following: SIFT: "Not Available"; PolyPhen-2: "Benign"; Align-GVGD: "Not Available". The tyrosine amino acid residue is found in multiple mammalian species, which suggests that this missense change does not adversely affect protein function. In summary, the available evidence is currently insufficient to determine the role of this variant in disease. Therefore, it has been classified as a Variant of Uncertain Significance.